The following is an entry in ClinVar:

NM_001127217.3(SMAD9):c.828C>T (p.Val276=)

Gene: SMAD9 (SMAD family member 9; minus strand). Cytogenetic location: 13q13.3.
Variant type: single nucleotide variant.
Coding change: c.828C>T on transcript NM_001127217.3 (MANE Select); coding-DNA position 828, C replaced by T.
Protein change: p.Val276=; no amino-acid change (valine 276 retained).
Molecular consequence: synonymous variant.
Genome position (GRCh38, 1-based): chr13:36,865,712, G>A on the plus strand (C>T on the coding strand, the complement: SMAD9 is on the minus strand). VCF-style: chr13-36865712-G-A. GRCh37 (hg19) VCF-style: chr13-37439849-G-A.
Other names: c.717C>T, p.Val239= (NM_001378621.1, NM_005905.6).
Identifiers: ClinVar variation 311901 (VCV000311901.32), dbSNP rs142675092, ClinGen allele CA6950458.

ClinVar aggregate classification (germline): Benign/Likely benign. Review status: criteria provided, multiple submitters, no conflicts (2 of 4 stars). 4 submissions from 4 submitters: Benign (2); Likely benign (2). Last evaluated 2026-01-26.

Conditions:
Pulmonary hypertension, primary, 2. Identifiers: Orphanet 422, MedGen C3888002, MONDO:0014134, OMIM 615342.

Allele frequency attached by ClinVar (database versions not stated): 1000 Genomes Project 30x 0.00016; 1000 Genomes Project 0.00020; ESP Exome Variant Server 0.00054; ExAC 0.00056; gnomAD exomes 0.00060 and 0.00070; gnomAD 0.00062 and 0.00063; TOPMed 0.00075.
gnomAD v4.1: 1,126 of 1,614,100 alleles (0.07%); highest among the groups gnomAD compares: Admixed American, 0.12%; 2 homozygotes.

Submissions (4):

Labcorp Genetics (formerly Invitae), Labcorp
Classification: Benign for Pulmonary hypertension, primary, 2. Last evaluated: 2026-01-26. Review status: criteria provided, single submitter. Criteria: Invitae Variant Classification Sherloc (09022015). Collection method: clinical testing. Allele origin: germline.

CeGaT Center for Human Genetics Tuebingen
Classification: Likely benign. Last evaluated: 2024-05-01. Review status: criteria provided, single submitter. Criteria: CeGaT Center For Human Genetics Tuebingen Variant Classification Criteria Version 2. Collection method: clinical testing. Allele origin: germline. Affected: yes. Observed: 1 variant allele.
Comment: SMAD9: BP4, BP7

Fulgent Genetics
Classification: Likely benign for Pulmonary hypertension, primary, 2. Last evaluated: 2021-08-04. Review status: criteria provided, single submitter. Criteria: ACMG Guidelines, 2015. Collection method: clinical testing. Allele origin: unknown.

Breakthrough Genomics
Classification: Benign. Review status: criteria provided, single submitter. Criteria: ACMG Guidelines, 2015. Collection method: not provided. Allele origin: germline. Inheritance: Autosomal dominant inheritance. Affected: yes.